The following is an entry in ClinVar:

NM_014915.3(ANKRD26):c.1546G>A (p.Val516Ile)

Gene: ANKRD26 (ankyrin repeat domain 26; minus strand). Cytogenetic location: 10p12.1.
Variant type: single nucleotide variant.
Coding change: c.1546G>A on transcript NM_014915.3 (MANE Select); coding-DNA position 1546, G replaced by A.
Protein change: p.Val516Ile; replaces valine 516 with isoleucine.
Molecular consequence: missense variant.
Genome position (GRCh38, 1-based): chr10:27,060,363, C>T on the plus strand (G>A on the coding strand, the complement: ANKRD26 is on the minus strand). VCF-style: chr10-27060363-C-T. GRCh37 (hg19) VCF-style: chr10-27349292-C-T.
Other names: c.1546G>A, p.Val516Ile (NM_001256053.2); short protein forms V516I.
Identifiers: ClinVar variation 1307576 (VCV001307576.4), dbSNP rs748730447, ClinGen allele CA5448505.

ClinVar aggregate classification (germline): Uncertain significance. Review status: criteria provided, multiple submitters, no conflicts (2 of 4 stars). 2 submissions from 2 submitters: Uncertain significance (2). Last evaluated 2025-12-10.

Conditions:
Inborn genetic diseases. Identifiers: MedGen C0950123, MeSH D030342.

Allele frequency attached by ClinVar (database versions not stated): ExAC 0.00001; gnomAD exomes 0.00002; gnomAD 0.00001.
gnomAD v4.1: 18 of 1,611,498 alleles (0.0011%); highest among the groups gnomAD compares: Non-Finnish European, 0.0014%; no homozygotes.

Submissions (2):

Ambry Genetics
Classification: Uncertain significance for Inborn genetic diseases. Last evaluated: 2025-12-10. Review status: criteria provided, single submitter. Criteria: Ambry Variant Classification Scheme 2023. Collection method: clinical testing. Allele origin: germline.

GeneDx
Classification: Uncertain significance. Last evaluated: 2019-08-11. Review status: criteria provided, single submitter. Criteria: GeneDx Variant Classification Process June 2021. Collection method: clinical testing. Allele origin: germline. Affected: yes.
Comment: Not observed at a significant frequency in large population cohorts (Lek et al., 2016); In silico analysis, which includes protein predictors and evolutionary conservation, supports that this variant does not alter protein structure/function; Has not been previously published as pathogenic or benign to our knowledge